The following is an entry in ClinVar:

NM_000551.4(VHL):c.340+689G>T

Genes: VHL (von Hippel-Lindau tumor suppressor; plus strand), LOC107303340 (3p25 von Hippel-Lindau tumor suppressor, E3 ubiquitin protein ligase Alu-mediated recombination region; plus strand). Cytogenetic location: 3p25.3.
Variant type: single nucleotide variant.
Coding change: c.340+689G>T on transcript NM_000551.4 (MANE Select); 689 bases into the intron after coding-DNA position 340, G replaced by T.
Molecular consequence: intron variant. On other transcripts: missense variant (1).
Genome position (GRCh38, 1-based): chr3:10,142,876, G>T. VCF-style: chr3-10142876-G-T. GRCh37 (hg19) VCF-style: chr3-10184560-G-T.
Other names: c.454G>T, p.Ala152Ser (NM_001354723.2); c.340+689G>T (NM_198156.3); short protein forms A152S.
Identifiers: ClinVar variation 2033082 (VCV002033082.4), dbSNP rs1696160843, ClinGen allele CA2580068434.

ClinVar aggregate classification (germline): Uncertain significance (1 of 4 stars; one submission).

Conditions:
Chuvash polycythemia. Also called: POLYCYTHEMIA, VHL-DEPENDENT. Identifiers: Orphanet 238557, MedGen C1837915, MONDO:0009892, OMIM 263400.
Von Hippel-Lindau syndrome (VHLS). Also called: Von Hippel-Lindau; von Hippel–Lindau syndrome; VHL syndrome. Identifiers: Orphanet 892, MedGen C0019562, MONDO:0008667, OMIM 193300. Disease mechanism: loss of function.

Submission:

Labcorp Genetics (formerly Invitae), Labcorp
Classification: Uncertain significance for Von Hippel-Lindau syndrome; Chuvash polycythemia. Last evaluated: 2024-07-30. Review status: criteria provided, single submitter. Criteria: Invitae Variant Classification Sherloc (09022015). Collection method: clinical testing. Allele origin: germline.
Comment: This sequence change falls in intron 1 of the VHL gene. It is not expected to change the encoded amino acid sequence of the VHL protein. However, this sequence change falls within a cryptic exon in the VHL gene, known as exon E1’, which is naturally expressed at low levels in several human tissues (PMID: 29891534). This variant is not present in population databases (gnomAD no frequency). This variant has not been reported in the literature in individuals affected with VHL-related conditions. ClinVar contains an entry for this variant (Variation ID: 2033082). Algorithms developed to predict the effect of sequence changes on RNA splicing suggest that this variant is not likely to affect RNA splicing. In summary, the available evidence is currently insufficient to determine the role of this variant in disease. Therefore, it has been classified as a Variant of Uncertain Significance.

Literature cited by the submitters: PubMed 29891534.